The following is an entry in ClinVar:

NM_016239.4(MYO15A):c.10575C>G (p.Ser3525Arg)

Gene: MYO15A (myosin XVA; plus strand). Cytogenetic location: 17p11.2.
Variant type: single nucleotide variant.
Coding change: c.10575C>G on transcript NM_016239.4 (MANE Select); coding-DNA position 10575, C replaced by G.
Protein change: p.Ser3525Arg; replaces serine 3525 with arginine.
Molecular consequence: missense variant.
Genome position (GRCh38, 1-based): chr17:18,178,852, C>G. VCF-style: chr17-18178852-C-G. GRCh37 (hg19) VCF-style: chr17-18082166-C-G.
Other names: short protein forms S3525R.
Identifiers: ClinVar variation 1464698 (VCV001464698.6), dbSNP rs201070092, ClinGen allele CA8425997.
Genomic context (GRCh38, chr17:18,178,852, plus strand): 5'-GGCCGTGCACGTGGAGAACCTGCTCAGTGCCCATGAGAAGCGGCTCACATTGCCCCCCAG[C>G]GAGATCACCCTGCTCTGACCCAGCCCCCAGCCCTCCAGTACCTTCTGCCAGAAGACTCAC-3'
Protein context (NP_057323.3, residues 3515-3530): AHEKRLTLPP[Ser3525Arg]EITLL

ClinVar aggregate classification (germline): Uncertain significance. Review status: criteria provided, multiple submitters, no conflicts (2 of 4 stars). 2 submissions from 2 submitters: Uncertain significance (2). Last evaluated 2021-08-14.

Conditions:
Autosomal recessive nonsyndromic hearing loss 3. Also called: NEUROSENSORY NONSYNDROMIC RECESSIVE DEAFNESS 3. Identifiers: Orphanet 90636, MedGen C1838263, MONDO:0010860, OMIM 600316.

gnomAD v4.1: 28 of 1,613,188 alleles (0.0017%); highest among the groups gnomAD compares: Non-Finnish European, 0.0023%; no homozygotes.

Submissions (2):

Labcorp Genetics (formerly Invitae), Labcorp
Classification: Uncertain significance. Last evaluated: 2021-08-14. Review status: criteria provided, single submitter. Criteria: Invitae Variant Classification Sherloc (09022015). Collection method: clinical testing. Allele origin: germline.
Comment: This sequence change replaces serine with arginine at codon 3525 of the MYO15A protein (p.Ser3525Arg). The serine residue is highly conserved and there is a moderate physicochemical difference between serine and arginine. This variant is present in population databases (rs201070092, ExAC 0.005%). This variant has not been reported in the literature in individuals affected with MYO15A-related conditions. Advanced modeling of protein sequence and biophysical properties (such as structural, functional, and spatial information, amino acid conservation, physicochemical variation, residue mobility, and thermodynamic stability) performed at Invitae indicates that this missense variant is not expected to disrupt MYO15A protein function. In summary, the available evidence is currently insufficient to determine the role of this variant in disease. Therefore, it has been classified as a Variant of Uncertain Significance.

Neuberg Centre For Genomic Medicine, NCGM
Classification: Uncertain significance for Autosomal recessive nonsyndromic hearing loss 3. Review status: criteria provided, single submitter. Criteria: ACMG Guidelines, 2015. Collection method: clinical testing. Allele origin: germline. Inheritance: Autosomal recessive inheritance. Affected: yes.
Comment: The missense c.10575C>Gp.Ser3525Arg variant in MYO15A gene has not been reported previously as a pathogenic variant nor as a benign variant, to our knowledge. This variant is reported with the allele frequency of 0.002% in the gnomAD Exomes and novel in 1000 Genomes. This variant has been reported to the ClinVar database as Uncertain Significance. However, no details are available for independent assessment. The amino acid Ser at position 3525 is changed to a Arg changing protein sequence and it might alter its composition and physico-chemical properties. The variant is predicted as damaging by SIFT. For these reasons, this variant has been classified as Uncertain Significance.